The following is an entry in ClinVar:

ClinVar aggregate classification (germline): Benign. Review status: criteria provided, multiple submitters, no conflicts (2 of 4 stars). 2 submissions from 2 submitters: Benign (2). Last evaluated 2018-06-14.

Allele frequency attached by ClinVar (database versions not stated): gnomAD 0.41400 and 0.41753; TOPMed 0.42234; 1000 Genomes Project 0.52316; 1000 Genomes Project 30x 0.52374.
gnomAD v4.1: 435,388 of 1,357,372 alleles (32%); highest among the groups gnomAD compares: African/African-American, 66%; 79,365 homozygotes.

Submissions (2):

GeneDx
Classification: Benign. Last evaluated: 2018-06-14. Review status: criteria provided, single submitter. Criteria: GeneDx Variant Classification (06012015). Collection method: clinical testing. Allele origin: germline. Affected: yes.
Comment: This variant is considered likely benign or benign based on one or more of the following criteria: it is a conservative change, it occurs at a poorly conserved position in the protein, it is predicted to be benign by multiple in silico algorithms, and/or has population frequency not consistent with disease.

Breakthrough Genomics
Classification: Benign. Review status: criteria provided, single submitter. Criteria: ACMG Guidelines, 2015. Collection method: not provided. Allele origin: germline. Inheritance: Autosomal recessive inheritance. Affected: yes.

NM_003283.6(TNNT1):c.388-151T>G

Gene: TNNT1 (troponin T1, slow skeletal type; minus strand). Cytogenetic location: 19q13.42.
Variant type: single nucleotide variant.
Coding change: c.388-151T>G on transcript NM_003283.6 (MANE Select); 151 bases into the intron before coding-DNA position 388, T replaced by G.
Molecular consequence: intron variant.
Genome position (GRCh38, 1-based): chr19:55,138,225, A>C on the plus strand (T>G on the coding strand, the complement: TNNT1 is on the minus strand). VCF-style: chr19-55138225-A-C. GRCh37 (hg19) VCF-style: chr19-55649593-A-C.
Other names: c.355-151T>G (NM_001126133.3, NM_001291774.2); c.388-151T>G (NM_001126132.3).
Identifiers: ClinVar variation 670236 (VCV000670236.2), dbSNP rs2742062, ClinGen allele CA14648726.
Genomic context (GRCh38, chr19:55,138,225, plus strand): 5'-CAGACCCAGTGCCGCAGAGGCTGCTGGGACATCAGAACCAGCAGAAACGCAGGGGTACCC[A>C]CTCCCGGCCCTGCCACGTCTCCCCGTGTGACCACCTACAAGTCCCTTCCCCTCTGTTTTT-3'